The following is an entry in ClinVar:

NM_000709.4(BCKDHA):c.1237dup (p.Tyr413fs)

Gene: BCKDHA (branched chain keto acid dehydrogenase E1 subunit alpha; plus strand). Cytogenetic location: 19q13.2.
Variant type: Duplication.
Coding change: c.1237dup on transcript NM_000709.4 (MANE Select); coding-DNA position 1237, one base duplicated (T; older notation c.1237dupT).
Protein change: p.Tyr413fs; shifts the reading frame from tyrosine 413.
Molecular consequence: frameshift variant.
Genome position (GRCh38, 1-based): chr19:41,424,507, T duplicated. VCF-style (leftmost placement, unchanged base first): chr19-41424506-G-GT. GRCh37 (hg19) VCF-style: chr19-41930411-G-GT.
Other names: c.1237dupT (NM_000709.3); c.1234dup, p.Tyr412fs (NM_001164783.2); short protein forms Y412fs, Y413fs.
Identifiers: ClinVar variation 2758939 (VCV002758939.4), dbSNP rs2513462321, ClinGen allele CA2585308447.

ClinVar aggregate classification (germline): Pathogenic/Likely pathogenic. Review status: criteria provided, multiple submitters, no conflicts (2 of 4 stars). 2 submissions from 2 submitters: Pathogenic (1); Likely pathogenic (1). Last evaluated 2026-01-22.

Conditions:
Maple syrup urine disease (MSUD). Identifiers: Orphanet 511, MedGen C0024776, MeSH D008375, MONDO:0009563. Disease mechanism: loss of function.
Maple syrup urine disease type 1A (MSUD1A). Also called: MSUD type 1A. Identifiers: MedGen C1855369, MONDO:0023691, OMIM 248600.

Allele frequency attached by ClinVar (database versions not stated): gnomAD exomes below 0.00001.

Submissions (2):

Natera, Inc.
Classification: Likely pathogenic for Maple syrup urine disease type 1A. Last evaluated: 2026-01-22. Review status: criteria provided, single submitter. Criteria: Natera Variant Classification Schema (03/2026). Collection method: clinical testing. Allele origin: germline.
Comment: The c.1237dupT variant in BCKDHA is a frameshift variant predicted to shift the reading frame beginning at codon 413 and leads to a stop codon 33 codons downstream. This variant is expected to result in nonsense mediated decay, truncation, or a dysfunctional protein product. This variant is rare in the general population with a frequency below the threshold expected for the associated phenotype(s). Given the available evidence, this variant is classified as Likely Pathogenic.

Labcorp Genetics (formerly Invitae), Labcorp
Classification: Pathogenic for Maple syrup urine disease. Last evaluated: 2023-10-17. Review status: criteria provided, single submitter. Criteria: Invitae Variant Classification Sherloc (09022015). Collection method: clinical testing. Allele origin: germline.
Comment: This sequence change creates a premature translational stop signal (p.Tyr413Leufs*33) in the BCKDHA gene. While this is not anticipated to result in nonsense mediated decay, it is expected to disrupt the last 33 amino acid(s) of the BCKDHA protein. This variant is not present in population databases (gnomAD no frequency). This variant has not been reported in the literature in individuals affected with BCKDHA-related conditions. This variant disrupts a region of the BCKDHA protein in which other variant(s) (p.Tyr438Asn) have been determined to be pathogenic (PMID: 2703538, 11825067, 12888983, 28170084). This suggests that this is a clinically significant region of the protein, and that variants that disrupt it are likely to be disease-causing. For these reasons, this variant has been classified as Pathogenic.

Literature cited by the submitters: PubMed 2703538 (cited by Labcorp Genetics (formerly Invitae), Labcorp); PubMed 11825067 (cited by Labcorp Genetics (formerly Invitae), Labcorp); PubMed 12888983 (cited by Labcorp Genetics (formerly Invitae), Labcorp); PubMed 28170084 (cited by Labcorp Genetics (formerly Invitae), Labcorp).